The following is an entry in ClinVar:

NM_138694.4(PKHD1):c.673C>G (p.Gln225Glu)

Gene: PKHD1 (PKHD1 ciliary IPT domain containing fibrocystin/polyductin; minus strand). Cytogenetic location: 6p12.2.
Variant type: single nucleotide variant.
Coding change: c.673C>G on transcript NM_138694.4 (MANE Select); coding-DNA position 673, C replaced by G.
Protein change: p.Gln225Glu; replaces glutamine 225 with glutamic acid.
Molecular consequence: missense variant.
Genome position (GRCh38, 1-based): chr6:52,070,440, G>C on the plus strand (C>G on the coding strand, the complement: PKHD1 is on the minus strand). VCF-style: chr6-52070440-G-C. GRCh37 (hg19) VCF-style: chr6-51935238-G-C.
Other names: c.673C>G, p.Gln225Glu (NM_170724.3); c.673C>G (NM_138694.3); short protein forms Q225E.
Identifiers: ClinVar variation 3594031 (VCV003594031.5).
Genomic context (GRCh38, chr6:52,070,440, plus strand): 5'-GCCTATTTCTATACCCAGTTACTTACTTTCCTTTGTTAAATACTGAGAAGCTAACATTCT[G>C]GGAGCCTGTAACACAAAGAAACACACATTAACTCAGGAATCTGCACGAGTCTTCTGGGCC-3'
Protein context (NP_619639.3, residues 215-235): CHVEGDYIGS[Gln225Glu]NVSFSVFNKG

ClinVar aggregate classification (germline): Conflicting classifications of pathogenicity. Review status: criteria provided, conflicting classifications (1 of 4 stars). 3 submissions from 3 submitters: Likely pathogenic (2); Uncertain significance (1). Last evaluated 2026-06-15.

Conditions:
Autosomal recessive polycystic kidney disease (ARPKD). Also called: AR polycystic kidney disease. Identifiers: Orphanet 731, Orphanet 8378, MedGen C0085548, MeSH D017044, MONDO:0009889.
Polycystic kidney disease 4 (PKD4). Also called: POLYCYSTIC KIDNEY AND HEPATIC DISEASE 1; POLYCYSTIC KIDNEY DISEASE, INFANTILE, TYPE I; POLYCYSTIC KIDNEY DISEASE 4 WITH OR WITHOUT POLYCYSTIC LIVER DISEASE; PKD3; Autosomal Recessive Polycystic Kidney Disease – PKHD1. Identifiers: MedGen C4540575, MONDO:0033004, OMIM 263200.

Submissions (3):

Women's Health and Genetics/Laboratory Corporation of America, LabCorp
Classification: Uncertain significance. Last evaluated: 2026-06-15. Review status: criteria provided, single submitter. Criteria: LabCorp Variant Classification Summary - May 2015. Collection method: clinical testing. Allele origin: germline.
Comment: Variant summary: PKHD1 c.673C>G (p.Gln225Glu) results in a conservative amino acid change in the encoded protein sequence. Algorithms developed to predict the effect of missense changes on protein structure and function all suggest that this variant is likely to be tolerated. The variant was absent in 251020 control chromosomes. c.673C>G has been observed in the homozygous and presumed compound heterozygous states in multiple individual(s) affected with clinical features of autosomal recessive Polycystic Kidney Disease (example, Doreille_2023, Denamur_2010), as well as in at least 1 fetus with ultrasound evidence of polycystic kidney disease (internal data). However, only in 1 of these individuals was there adequate evidence for causality. These data do not allow any conclusion about variant significance. To our knowledge, no experimental evidence demonstrating an impact on protein function has been reported. The following publications have been ascertained in the context of this evaluation (PMID: 36938085, 19940839). ClinVar contains an entry for this variant (Variation ID: 3594031). Based on the evidence outlined above, the variant was classified as uncertain significance.

Natera, Inc.
Classification: Likely pathogenic for Autosomal recessive polycystic kidney disease. Last evaluated: 2025-10-06. Review status: criteria provided, single submitter. Criteria: Natera Variant Classification Schema (03/2026). Collection method: clinical testing. Allele origin: germline.
Comment: The c.673C>G variant in PKHD1 is a missense variant predicted to cause substitution of glutamine to glutamic acid at amino acid 225. This variant is rare in the general population with a frequency below the threshold expected for the associated phenotype(s). This variant has been observed in one or more individuals affected with the associated recessive disease, as either homozygous or compound heterozygous with a second variant (PMID: 19940839, 36938085). Multiple computational prediction algorithms suggest this variant is unlikely to affect gene or protein function. Given the available evidence, this variant is classified as Likely Pathogenic.

Fulgent Genetics
Classification: Likely pathogenic for Polycystic kidney disease 4. Last evaluated: 2024-05-23. Review status: criteria provided, single submitter. Criteria: ACMG Guidelines, 2015. Collection method: clinical testing. Allele origin: germline.

Literature cited by the submitters: PubMed 19940839 (cited by Women's Health and Genetics/Laboratory Corporation of America, LabCorp and Natera, Inc.); PubMed 36938085 (cited by Women's Health and Genetics/Laboratory Corporation of America, LabCorp and Natera, Inc.).